The following is an entry in ClinVar:

ClinVar aggregate classification (germline): Uncertain significance (1 of 4 stars; one submission).

Allele frequency attached by ClinVar (database versions not stated): gnomAD 0.00001; ExAC 0.00002; gnomAD exomes 0.00002; TOPMed 0.00002.
gnomAD v4.1: 28 of 1,613,838 alleles (0.0017%); highest among the groups gnomAD compares: East Asian, 0.0022%; no homozygotes.

Submission:

Labcorp Genetics (formerly Invitae), Labcorp
Classification: Uncertain significance. Last evaluated: 2023-11-13. Review status: criteria provided, single submitter. Criteria: Invitae Variant Classification Sherloc (09022015). Collection method: clinical testing. Allele origin: germline.
Comment: This sequence change replaces aspartic acid, which is acidic and polar, with asparagine, which is neutral and polar, at codon 242 of the DVL1 protein (p.Asp242Asn). This variant is present in population databases (rs767735434, gnomAD 0.004%). This variant has not been reported in the literature in individuals affected with DVL1-related conditions. Advanced modeling of protein sequence and biophysical properties (such as structural, functional, and spatial information, amino acid conservation, physicochemical variation, residue mobility, and thermodynamic stability) performed at Invitae indicates that this missense variant is not expected to disrupt DVL1 protein function with a negative predictive value of 80%. In summary, the available evidence is currently insufficient to determine the role of this variant in disease. Therefore, it has been classified as a Variant of Uncertain Significance.

NM_001330311.2(DVL1):c.724G>A (p.Asp242Asn)

Gene: DVL1 (dishevelled segment polarity protein 1; minus strand). Cytogenetic location: 1p36.33.
Variant type: single nucleotide variant.
Coding change: c.724G>A on transcript NM_001330311.2 (MANE Select); coding-DNA position 724, G replaced by A.
Protein change: p.Asp242Asn; replaces aspartic acid 242 with asparagine.
Molecular consequence: missense variant.
Genome position (GRCh38, 1-based): chr1:1,340,292, C>T on the plus strand (G>A on the coding strand, the complement: DVL1 is on the minus strand). VCF-style: chr1-1340292-C-T. GRCh37 (hg19) VCF-style: chr1-1275672-C-T.
Other names: c.724G>A, p.Asp242Asn (NM_004421.3); short protein forms D242N.
Identifiers: ClinVar variation 2957285 (VCV002957285.3), dbSNP rs767735434, ClinGen allele CA520462.